The following is an entry in ClinVar:

NM_001365276.2(TNXB):c.2633G>A (p.Gly878Asp)

Gene: TNXB (tenascin XB; minus strand). Cytogenetic location: 6p21.33.
Variant type: single nucleotide variant.
Coding change: c.2633G>A on transcript NM_001365276.2 (MANE Select); coding-DNA position 2633, G replaced by A.
Protein change: p.Gly878Asp; replaces glycine 878 with aspartic acid.
Molecular consequence: missense variant.
Genome position (GRCh38, 1-based): chr6:32,088,931, C>T on the plus strand (G>A on the coding strand, the complement: TNXB is on the minus strand). VCF-style: chr6-32088931-C-T. GRCh37 (hg19) VCF-style: chr6-32056708-C-T.
Other names: p.Gly878Asp; c.2633G>A, p.Gly878Asp (NM_019105.8); short protein forms G878D.
Identifiers: ClinVar variation 871712 (VCV000871712.62), dbSNP rs201647307, ClinGen allele CA3735442.

ClinVar aggregate classification (germline): Conflicting classifications of pathogenicity. Review status: criteria provided, conflicting classifications (1 of 4 stars). 7 submissions from 7 submitters: Uncertain significance (4); Likely benign (3). Last evaluated 2026-09-02.

Conditions:
Ehlers-Danlos syndrome due to tenascin-X deficiency (EDSCLL1). Also called: TNXB-Related Classical-Like Ehlers-Danlos Syndrome; TNX DEFICIENCY; EHLERS-DANLOS SYNDROME, CLASSIC-LIKE; Ehlers-Danlos syndrome, classic-like, 1; EDS DUE TO TNX DEFICIENCY. Identifiers: Orphanet 230839, MedGen C1848029, MONDO:0011670, OMIM 606408.
Vesicoureteral reflux (VUR). Also called: Vesicoureteric reflux; Vesico-Ureteral Reflux. Identifiers: MedGen C0042580, MONDO:0006007, HP:0000076.
Cardiovascular phenotype. Identifiers: MedGen CN230736.
TNXB-related disorder. Also called: TNXB-related condition.
Ehlers-Danlos syndrome (EDS). Identifiers: Orphanet 98249, MedGen C0013720, MONDO:0020066.

Allele frequency attached by ClinVar (database versions not stated): 1000 Genomes Project 30x 0.00031; 1000 Genomes Project 0.00040; gnomAD 0.00074 and 0.00076; gnomAD exomes 0.00075 and 0.00145; TOPMed 0.00085; ESP Exome Variant Server 0.00094; ExAC 0.00104.
gnomAD v4.1: 2,213 of 1,603,484 alleles (0.14%); highest among the groups gnomAD compares: Non-Finnish European, 0.18%; 3 homozygotes.

Submissions (7):

PreventionGenetics, part of Exact Sciences
Classification: Likely benign for TNXB-related condition. Last evaluated: 2026-09-02. Review status: criteria provided, single submitter. Criteria: ACMG Guidelines, 2015. Collection method: clinical testing. Allele origin: germline.
Comment: This variant is classified as likely benign based on ACMG/AMP sequence variant interpretation guidelines (Richards et al. 2015 PMID: 25741868, with internal and published modifications).

Women's Health and Genetics/Laboratory Corporation of America, LabCorp
Classification: Likely benign. Last evaluated: 2026-01-20. Review status: criteria provided, single submitter. Criteria: LabCorp Variant Classification Summary - May 2015. Collection method: clinical testing. Allele origin: germline.
Comment: Variant summary: TNXB c.2633G>A (p.Gly878Asp) results in a non-conservative amino acid change located in the Fibronectin type III domain of the encoded protein sequence. Algorithms developed to predict the effect of missense changes on protein structure and function are either unavailable or do not agree on the potential impact of this missense change. The variant allele was found at a frequency of 0.00075 in 232132 control chromosomes, predominantly at a frequency of 0.0015 within the Non-Finnish European subpopulation in the gnomAD database. The observed variant frequency within Non-Finnish European control individuals in the gnomAD database exceeds the estimated maximal expected allele frequency for disease-causing variants in TNXB. c.2633G>A has been observed in individuals with symptoms associated with an Ehlers-Danlos-like syndrome (Tokhmafshan_2019, Bandini_2025). These reports do not provide unequivocal conclusions about association of the variant with Ehlers-Danlos-like syndrome. To our knowledge, no experimental evidence demonstrating an impact on protein function has been reported. The following publications have been ascertained in the context of this evaluation (PMID: 31702543, 41178378). ClinVar contains an entry for this variant (Variation ID: 871712). Based on the evidence outlined above, the variant was classified as likely benign.

GeneDx
Classification: Uncertain significance. Last evaluated: 2025-09-10. Review status: criteria provided, single submitter. Criteria: GeneDx Variant Classification Process June 2021. Collection method: clinical testing. Allele origin: germline. Affected: yes.
Comment: Reported in an individual with vesicoureteric reflux with normal joint mobility (PMID: 31702543); In silico analysis supports that this missense variant has a deleterious effect on protein structure/function; This variant is associated with the following publications: (PMID: 31702543)

Mayo Clinic Laboratories, Mayo Clinic
Classification: Likely benign. Last evaluated: 2025-07-17. Review status: criteria provided, single submitter. Criteria: ACMG Guidelines, 2015. Collection method: clinical testing. Allele origin: germline. Observed: 8 variant alleles.
Comment: BS1

Ambry Genetics
Classification: Uncertain significance for Cardiovascular phenotype. Last evaluated: 2023-12-12. Review status: criteria provided, single submitter. Criteria: Ambry Variant Classification Scheme 2023. Collection method: clinical testing. Allele origin: germline.
Comment: The p.G878D variant (also known as c.2633G>A), located in coding exon 5 of the TNXB gene, results from a G to A substitution at nucleotide position 2633. The glycine at codon 878 is replaced by aspartic acid, an amino acid with similar properties. This variant was reported once in a vesicoureteric reflux cohort; however, the affected individual was not hypermobile (Tokhmafshan F et al. Can Urol Assoc J, 2020 Apr;14:E128-E136). This amino acid position is well conserved in available vertebrate species. In addition, this alteration is predicted to be tolerated by in silico analysis. Since supporting evidence is limited at this time, the clinical significance of this alteration remains unclear.

CeGaT Center for Human Genetics Tuebingen
Classification: Uncertain significance. Last evaluated: 2022-04-01. Review status: criteria provided, single submitter. Criteria: CeGaT Center For Human Genetics Tuebingen Variant Classification Criteria Version 2. Collection method: clinical testing. Allele origin: germline. Affected: yes. Observed: 3 variant alleles.

Genome Diagnostics Laboratory, The Hospital for Sick Children
Classification: Uncertain significance for Ehlers-Danlos syndrome. Last evaluated: 2021-02-10. Review status: criteria provided, single submitter. Criteria: ACMG Guidelines, 2015. Collection method: clinical testing. Allele origin: germline.

Literature cited by the submitters: PubMed 31702543 (cited by 3 submitters); PubMed 41178378 (cited by Women's Health and Genetics/Laboratory Corporation of America, LabCorp).